The following is an entry in ClinVar:

NM_001160148.2(DDHD1):c.1992+13A>G

Gene: DDHD1 (DDHD domain containing 1; minus strand). Cytogenetic location: 14q22.1.
Variant type: single nucleotide variant.
Coding change: c.1992+13A>G on transcript NM_001160148.2 (MANE Select); 13 bases into the intron after coding-DNA position 1992, A replaced by G.
Molecular consequence: intron variant.
Genome position (GRCh38, 1-based): chr14:53,058,464, T>C on the plus strand (A>G on the coding strand, the complement: DDHD1 is on the minus strand). VCF-style: chr14-53058464-T-C. GRCh37 (hg19) VCF-style: chr14-53525182-T-C.
Other names: c.1992+13A>G (NM_030637.3); c.2013+13A>G (NM_001160147.2).
Identifiers: ClinVar variation 507887 (VCV000507887.4), dbSNP rs1241199136, ClinGen allele CA658798213.

ClinVar aggregate classification (germline): Likely benign. Review status: criteria provided, multiple submitters, no conflicts (2 of 4 stars). 2 submissions from 2 submitters: Likely benign (2). Last evaluated 2023-03-21.

Conditions:
Hereditary spastic paraplegia 28. Also called: Spastic paraplegia 28, autosomal recessive. Identifiers: Orphanet 101008, MedGen C1836295, MONDO:0012256, OMIM 609340.

Allele frequency attached by ClinVar (database versions not stated): gnomAD exomes below 0.00001; TOPMed below 0.00001; gnomAD 0.00001.
gnomAD v4.1: 4 of 1,601,896 alleles (0.00025%); highest among the groups gnomAD compares: African/African-American, 0.0014%; no homozygotes.

Submissions (2):

Labcorp Genetics (formerly Invitae), Labcorp
Classification: Likely benign for Hereditary spastic paraplegia 28. Last evaluated: 2023-03-21. Review status: criteria provided, single submitter. Criteria: Invitae Variant Classification Sherloc (09022015). Collection method: clinical testing. Allele origin: germline.

GeneDx
Classification: Likely benign. Last evaluated: 2017-03-20. Review status: criteria provided, single submitter. Criteria: GeneDx Variant Classification (06012015). Collection method: clinical testing. Allele origin: germline. Affected: yes.
Comment: This variant is considered likely benign or benign based on one or more of the following criteria: it is a conservative change, it occurs at a poorly conserved position in the protein, it is predicted to be benign by multiple in silico algorithms, and/or has population frequency not consistent with disease.